The following is an entry in ClinVar:

ClinVar aggregate classification (germline): Benign (1 of 4 stars; one submission).

Conditions:
Familial colorectal cancer type X. Identifiers: Orphanet 440437, MedGen C3896578, MONDO:0018604.

gnomAD v4.1: 1 of 1,551,444 alleles (0.000064%); highest among the groups gnomAD compares: South Asian, 0.0012%; no homozygotes.

Submission:

Myriad Genetics, Inc.
Classification: Benign for Familial colorectal cancer type X. Last evaluated: 2026-08-04. Review status: criteria provided, single submitter. Criteria: Myriad Autosomal Dominant, Autosomal Recessive and X-Linked Classification Criteria (2023). Collection method: clinical testing. Allele origin: unknown.
Comment: This variant is considered benign. This variant is a silent/synonymous amino acid change and it is not expected to impact splicing.

NM_001146227.3(RPS20):c.396T>C (p.Ser132=)

Gene: RPS20 (ribosomal protein S20; minus strand). Cytogenetic location: 8q12.1.
Variant type: single nucleotide variant.
Coding change: c.396T>C on transcript NM_001146227.3; coding-DNA position 396, T replaced by C.
Protein change: p.Ser132=; no amino-acid change (serine 132 retained).
Molecular consequence: synonymous variant.
Genome position (GRCh38, 1-based): chr8:56,069,771, A>G on the plus strand (T>C on the coding strand, the complement: RPS20 is on the minus strand). VCF-style: chr8-56069771-A-G. GRCh37 (hg19) VCF-style: chr8-56982330-A-G.
Identifiers: ClinVar variation 5042311 (VCV005042311.1).